The following is an entry in ClinVar:

NM_022436.3(ABCG5):c.1068C>G (p.Phe356Leu)

Genes: ABCG5 (ATP binding cassette subfamily G member 5; minus strand), DYNC2LI1 (dynein cytoplasmic 2 light intermediate chain 1; plus strand). Cytogenetic location: 2p21.
Variant type: single nucleotide variant.
Coding change: c.1068C>G on transcript NM_022436.3 (MANE Select); coding-DNA position 1068, C replaced by G.
Protein change: p.Phe356Leu; replaces phenylalanine 356 with leucine.
Molecular consequence: missense variant. On other transcripts: intron variant (2).
Genome position (GRCh38, 1-based): chr2:43,824,269, G>C on the plus strand (C>G on the coding strand, the complement: ABCG5 is on the minus strand). VCF-style: chr2-43824269-G-C. GRCh37 (hg19) VCF-style: chr2-44051408-G-C.
Other names: c.*16-3117G>C (NM_001348913.2, NM_001348912.2); short protein forms F356L.
Identifiers: ClinVar variation 1782417 (VCV001782417.3), dbSNP rs745606275, ClinGen allele CA1636415.

ClinVar aggregate classification (germline): Uncertain significance. Review status: criteria provided, multiple submitters, no conflicts (2 of 4 stars). 2 submissions from 2 submitters: Uncertain significance (2). Last evaluated 2026-03-01.

Conditions:
Cardiovascular phenotype. Identifiers: MedGen CN230736.
Sitosterolemia (STSL). Also called: PHYTOSTEROLEMIA. Identifiers: Orphanet 2882, MedGen C0342907, MONDO:0008863.

gnomAD v4.1: 31 of 1,614,064 alleles (0.0019%); highest among the groups gnomAD compares: East Asian, 0.06%; no homozygotes.

Submissions (2):

Department of Cardiology, Mackay Memorial Hospital
Classification: Uncertain significance for Sitosterolemia. Last evaluated: 2026-03-01. Review status: criteria provided, single submitter. Criteria: ACMG Guidelines, 2015. Collection method: clinical testing. Allele origin: germline. Affected: yes.
Comment: This variant results in the substitution of phenylalanine by leucine at position 356. Based on ortholog sequence alignment of ABCG5 (sterolin-1), the affected residue is highly conserved across vertebrate species and is located in the intracellular loop/linker region between the nucleotide-binding domain and the first transmembrane domain. Phenylalanine is a large aromatic residue, and its replacement by leucine, although also hydrophobic, may alter local spatial packing required for transporter conformational changes during the sterol efflux cycle. The variant is rare in population databases and was identified in a patient with severe hypercholesterolemia and a clinically compatible hypercholesterolemia-related phenotype, supporting application of PM2_supporting. However, computational predictions were discordant, with SIFT predicting a deleterious effect and PolyPhen-2 predicting a benign effect; therefore, PP3 was not applied. In the absence of functional studies, definitive segregation data, and direct plasma phytosterol measurements, the available evidence was insufficient to establish either pathogenicity or benignity, and the variant was therefore classified as a variant of uncertain significance.

Ambry Genetics
Classification: Uncertain significance for Cardiovascular phenotype. Last evaluated: 2025-11-15. Review status: criteria provided, single submitter. Criteria: Ambry Variant Classification Scheme 2023. Collection method: clinical testing. Allele origin: germline.
Comment: The p.F356L variant (also known as c.1068C>G), located in coding exon 8 of the ABCG5 gene, results from a C to G substitution at nucleotide position 1068. The phenylalanine at codon 356 is replaced by leucine, an amino acid with highly similar properties. This amino acid position is conserved. In addition, the in silico prediction for this alteration is inconclusive. Since supporting evidence is limited at this time, the clinical significance of this alteration remains unclear.